The following is an entry in ClinVar:

NM_001104631.2(PDE4D):c.1288-8dup

Gene: PDE4D (phosphodiesterase 4D; minus strand). Cytogenetic location: 5q11.2.
Variant type: Duplication.
Coding change: c.1288-8dup on transcript NM_001104631.2 (MANE Select); 8 bases into the intron before coding-DNA position 1288, one base duplicated (T; older notation c.1288-8dupT).
Molecular consequence: intron variant.
Genome position (GRCh38, 1-based): chr5:58,989,927, A duplicated on the plus strand (T on the coding strand, the reverse complement: PDE4D is on the minus strand); the first of 8 consecutive A bases (chr5:58,989,927-58,989,934); duplicating any one gives the same sequence. VCF-style (leftmost placement, unchanged base first): chr5-58989926-G-GA. GRCh37 (hg19) VCF-style: chr5-58285753-G-GA.
Other names: c.1105-8dup (NM_001364599.1, NM_001165899.2); c.520-8dup (NM_001349243.2, NM_001364604.1); c.1075-8dup (NM_001349241.2); c.1096-8dup (NM_001197218.2); c.382-8dup (NM_001364603.1, NM_001197221.2); c.880-8dup (NM_006203.5); c.958-8dup (NM_001349242.2); c.922-8dup (NM_001197219.2); and 3 more.
Identifiers: ClinVar variation 235668 (VCV000235668.17), dbSNP rs143090133, ClinGen allele CA3276087.

ClinVar aggregate classification (germline): Benign/Likely benign. Review status: criteria provided, multiple submitters, no conflicts (2 of 4 stars). 3 submissions from 3 submitters: Benign (1); Likely benign (2). Last evaluated 2026-01-24.

Submissions (3):

Labcorp Genetics (formerly Invitae), Labcorp
Classification: Benign. Last evaluated: 2026-01-24. Review status: criteria provided, single submitter. Criteria: Invitae Variant Classification Sherloc (09022015). Collection method: clinical testing. Allele origin: germline.

GeneDx
Classification: Likely benign. Last evaluated: 2018-07-14. Review status: criteria provided, single submitter. Criteria: GeneDx Variant Classification Process June 2021. Collection method: clinical testing. Allele origin: germline. Affected: yes.

Center for Pediatric Genomic Medicine, Children's Mercy Hospital and Clinics
Classification: Likely benign. Last evaluated: 2016-02-01. Review status: criteria provided, single submitter. Criteria: ACMG Guidelines, 2015. Collection method: clinical testing. Allele origin: germline.
ClinVar note: Converted during submission from Likely Benign to Likely benign.